The following is an entry in ClinVar:

NM_001369.3(DNAH5):c.10065del (p.Lys3355fs)

Gene: DNAH5 (dynein axonemal heavy chain 5; minus strand). Cytogenetic location: 5p15.2.
Variant type: Deletion.
Coding change: c.10065del on transcript NM_001369.3 (MANE Select); coding-DNA position 10065, one base deleted (A; older notation c.10065delA).
Protein change: p.Lys3355fs; shifts the reading frame from lysine 3355.
Molecular consequence: frameshift variant.
Genome position (GRCh38, 1-based): chr5:13,766,012, T deleted on the plus strand (A on the coding strand, the reverse complement: DNAH5 is on the minus strand); the first of 4 consecutive T bases (chr5:13,766,012-13,766,015); deleting any one gives the same sequence. VCF-style (leftmost placement, unchanged base first): chr5-13766011-AT-A. GRCh37 (hg19) VCF-style: chr5-13766120-AT-A.
Other names: short protein forms K3355fs.
Identifiers: ClinVar variation 1724672 (VCV001724672.2), dbSNP rs2546647964, ClinGen allele CA2580072190.
Genomic context (GRCh38, chr5:13,766,011, plus strand): 5'-AGCCCATCACCACTGAACTACCAACCTGTAAGTTCTGTAAAAAGTTCCCTGCAGTCATCA[AT>A]TTTAAGGATTCCTGCCAGGAGGGCATGGTACAGCTTTTTTCCAGGTCAATTTTCACAGCA-3'

ClinVar aggregate classification (germline): Likely pathogenic (1 of 4 stars; one submission).

Conditions:
Primary ciliary dyskinesia 3. Identifiers: Orphanet 244, MedGen C1837618, MONDO:0012085, OMIM 608644.

Submission:

Myriad Genetics, Inc.
Classification: Likely pathogenic for Primary ciliary dyskinesia 3. Last evaluated: 2022-02-25. Review status: criteria provided, single submitter. Criteria: Myriad Women's Health Autosomal Recessive and X-Linked Classification Criteria (2021). Collection method: clinical testing. Allele origin: unknown.
Comment: NM_001369.2(DNAH5):c.10065delA(K3355Nfs*2) is expected to be pathogenic in the context of DNAH5-related primary ciliary dyskinesia. This variant is predicted to lead to an abnormal or absent protein product due to the creation of a premature termination codon in DNAH5, a gene where loss-of-function variants are known to be pathogenic. Please note: this variant was assessed in the context of healthy population screening.